The following is an entry in ClinVar:

NM_024577.4(SH3TC2):c.3760A>G (p.Arg1254Gly)

Gene: SH3TC2 (SH3 domain and tetratricopeptide repeats 2; minus strand). Cytogenetic location: 5q32.
Variant type: single nucleotide variant.
Coding change: c.3760A>G on transcript NM_024577.4 (MANE Select); coding-DNA position 3760, A replaced by G.
Protein change: p.Arg1254Gly; replaces arginine 1254 with glycine.
Molecular consequence: missense variant.
Genome position (GRCh38, 1-based): chr5:149,004,818, T>C on the plus strand (A>G on the coding strand, the complement: SH3TC2 is on the minus strand). VCF-style: chr5-149004818-T-C. GRCh37 (hg19) VCF-style: chr5-148384381-T-C.
Other names: short protein forms R1254G.
Identifiers: ClinVar variation 1005951 (VCV001005951.9), dbSNP rs765921861, ClinGen allele CA3498634.

ClinVar aggregate classification (germline): Uncertain significance. Review status: criteria provided, single submitter (1 of 4 stars). 2 submissions from 2 submitters: Uncertain significance (1). 1 of the submissions does not count toward it. Last evaluated 2022-02-27.

Conditions:
Charcot-Marie-Tooth disease type 4. Also called: Charcot-Marie-Tooth, Type 4; Charcot-Marie-Tooth disease, type IV. Identifiers: Orphanet 64749, MedGen C4082197, MONDO:0018995.
Tip-toe gait. Also called: Toe walking. Identifiers: MedGen C0427144, HP:0030051.

Allele frequency attached by ClinVar (database versions not stated): TOPMed below 0.00001; ExAC 0.00001; gnomAD exomes 0.00001.
gnomAD v4.1: 13 of 1,614,168 alleles (0.00081%); highest among the groups gnomAD compares: Non-Finnish European, 0.0011%; no homozygotes.

Submissions (2):

Labcorp Genetics (formerly Invitae), Labcorp
Classification: Uncertain significance for Charcot-Marie-Tooth disease type 4. Last evaluated: 2022-02-27. Review status: criteria provided, single submitter. Criteria: Invitae Variant Classification Sherloc (09022015). Collection method: clinical testing. Allele origin: germline.
Comment: This sequence change replaces arginine, which is basic and polar, with glycine, which is neutral and non-polar, at codon 1254 of the SH3TC2 protein (p.Arg1254Gly). This variant is present in population databases (rs765921861, gnomAD 0.002%). This variant has not been reported in the literature in individuals affected with SH3TC2-related conditions. ClinVar contains an entry for this variant (Variation ID: 1005951). Advanced modeling of protein sequence and biophysical properties (such as structural, functional, and spatial information, amino acid conservation, physicochemical variation, residue mobility, and thermodynamic stability) performed at Invitae indicates that this missense variant is not expected to disrupt SH3TC2 protein function. In summary, the available evidence is currently insufficient to determine the role of this variant in disease. Therefore, it has been classified as a Variant of Uncertain Significance.

Practice for Gait Abnormalities, David Pomarino, Competency Network Toe Walking C/o Practice Pomarino
Classification: Likely pathogenic for Tip-toe gait. Last evaluated: 2020-11-27. Review status: no assertion criteria provided. Collection method: clinical testing. Allele origin: germline. Affected: yes. Not counted in ClinVar's aggregate classification.
Comment: Hereditary motor sensory neuropathy (HMSN), also known as Charcot-Marie-Tooth Disease (CMT), is the most commonly inherited peripheral polyneuropathy. It constitutes a group of inherited, progressive, motor and sensory peripheral nerve disorders with properties of demyelination, axonal degeneration, or both. It is classified by clinical characteristics, modes of inheritance, electrophysiologic features, metabolic defects, and specific gene markers. Our patients all walk on tiptoe, so they show similar symptoms. When we genetically test them with our toe walking panel, we find that around 90 per cent of them have a genetic variant that explains their toe walking. These can be assigned, for example, to the area of myopathies (such as variants of the COL6A3 gene), the area of hereditary neuropathies (such as variants of the KMT2C gene) or the area of metabolic diseases (such as variants of the PYGM gene). In a smaller group of patients with almost identical symptoms, no abnormality is found in the genes of our panel, but spastic paraplegia can be detected. In another small group of our toe walkers, no abnormalities can be detected in the genes analysed in our toe walking panel, nor do they suffer from spastic paraplegia, as is also the case with healthy children. In contrast to these, however, they show a tiptoe gait. These patients suffer from infantile cerebral palsy, in which toe walking can also be observed.

Literature cited by the submitters: DOI 10.3238/oup.2019.0380-0382 (cited by Practice for Gait Abnormalities, David Pomarino, Competency Network Toe Walking C/o Practice Pomarino); PubMed 37091313 (cited by Practice for Gait Abnormalities, David Pomarino, Competency Network Toe Walking C/o Practice Pomarino).